The following is an entry in ClinVar:

NM_002788.4(PSMA3):c.570C>G (p.Ile190Met)

Genes: PSMA3 (proteasome 20S subunit alpha 3; plus strand), PSMA3-AS1 (PSMA3 antisense RNA 1; minus strand). Cytogenetic location: 14q23.1.
Variant type: single nucleotide variant.
Coding change: c.570C>G on transcript NM_002788.4 (MANE Select); coding-DNA position 570, C replaced by G.
Protein change: p.Ile190Met; replaces isoleucine 190 with methionine.
Molecular consequence: missense variant. On other transcripts: non-coding transcript variant (1).
Genome position (GRCh38, 1-based): chr14:58,267,500, C>G. VCF-style: chr14-58267500-C-G. GRCh37 (hg19) VCF-style: chr14-58734218-C-G.
Other names: c.549C>G, p.Ile183Met (NM_152132.3); short protein forms I190M, I183M.
Identifiers: ClinVar variation 4728685 (VCV004728685.1).

ClinVar aggregate classification (germline): Uncertain significance (1 of 4 stars; one submission).

Submission:

Labcorp Genetics (formerly Invitae), Labcorp
Classification: Uncertain significance. Last evaluated: 2025-10-07. Review status: criteria provided, single submitter. Criteria: Invitae Variant Classification Sherloc (09022015). Collection method: clinical testing. Allele origin: germline.
Comment: This sequence change replaces isoleucine, which is neutral and non-polar, with methionine, which is neutral and non-polar, at codon 190 of the PSMA3 protein (p.Ile190Met). This variant is not present in population databases (gnomAD no frequency). This variant has not been reported in the literature in individuals affected with PSMA3-related conditions. An algorithm developed to predict the effect of missense changes on protein structure and function (PolyPhen-2) suggests that this variant is likely to be tolerated. In summary, the available evidence is currently insufficient to determine the role of this variant in disease. Therefore, it has been classified as a Variant of Uncertain Significance.